The following is an entry in ClinVar:

ClinVar aggregate classification (germline): Conflicting classifications of pathogenicity. Review status: criteria provided, conflicting classifications (1 of 4 stars). 5 submissions from 5 submitters: Uncertain significance (1); Likely benign (3). 1 of the submissions does not count toward it. Last evaluated 2025-10-06.

Conditions:
PLEC-related disorder. Also called: PLEC-related disorders; PLEC-related condition.
Epidermolysis bullosa simplex 5B, with muscular dystrophy (EBS5B). Also called: Epidermolysis bullosa simplex with muscular dystrophy; EPIDERMOLYSIS BULLOSA SIMPLEX AND LIMB-GIRDLE MUSCULAR DYSTROPHY. Identifiers: Orphanet 257, MedGen C2931072, MONDO:0009181, OMIM 226670.
Autosomal recessive limb-girdle muscular dystrophy type 2Q (LGMDR17). Also called: MUSCULAR DYSTROPHY, LIMB-GIRDLE, AUTOSOMAL RECESSIVE 17. Identifiers: Orphanet 254361, MedGen C3150989, MONDO:0013390, OMIM 613723.
Epidermolysis bullosa simplex, Ogna type (EBS5A). Also called: Pidermolysis bullosa simplex 5A, Ogna type; EPIDERMOLYSIS BULLOSA SIMPLEX 5A, OGNA TYPE. Identifiers: Orphanet 79401, MedGen C0432317, MONDO:0007555, OMIM 131950.
Epidermolysis bullosa simplex 5C, with pyloric atresia (EBS5C). Also called: PLEC-Related Epidermolysis Bullosa with Pyloric Atresia; Epidermolysis bullosa simplex with pyloric atresia; PLEC1-Related Epidermolysis Bullosa with Pyloric Atresia. Identifiers: Orphanet 158684, MedGen C2677349, MONDO:0012807, OMIM 612138.
Epidermolysis bullosa simplex with nail dystrophy (EBS5D). Identifiers: MedGen C4225309, MONDO:0014661, OMIM 616487.

Allele frequency attached by ClinVar (database versions not stated): gnomAD 0.00006 and 0.00010; ExAC 0.00010; gnomAD exomes 0.00010; TOPMed 0.00011; ESP Exome Variant Server 0.00016; 1000 Genomes Project 30x 0.00031; 1000 Genomes Project 0.00040.
gnomAD v4.1: 225 of 1,596,414 alleles (0.014%); highest among the groups gnomAD compares: Non-Finnish European, 0.018%; no homozygotes.

Submissions (5):

Labcorp Genetics (formerly Invitae), Labcorp
Classification: Likely benign for Autosomal recessive limb-girdle muscular dystrophy type 2Q; Epidermolysis bullosa simplex, Ogna type; Epidermolysis bullosa simplex with nail dystrophy; Epidermolysis bullosa simplex 5C, with pyloric atresia; Epidermolysis bullosa simplex 5B, with muscular dystrophy. Last evaluated: 2025-10-06. Review status: criteria provided, single submitter. Criteria: Invitae Variant Classification Sherloc (09022015). Collection method: clinical testing. Allele origin: germline.

Women's Health and Genetics/Laboratory Corporation of America, LabCorp
Classification: Likely benign. Last evaluated: 2025-04-21. Review status: criteria provided, single submitter. Criteria: LabCorp Variant Classification Summary - May 2015. Collection method: clinical testing. Allele origin: germline.

Blueprint Genetics
Classification: Likely benign. Last evaluated: 2024-09-09. Review status: criteria provided, single submitter. Criteria: ACMG Guidelines, 2015. Collection method: clinical testing. Allele origin: germline.

Eurofins Ntd Llc (ga)
Classification: Uncertain significance. Last evaluated: 2017-08-10. Review status: criteria provided, single submitter. Criteria: EGL Classification Definitions 2015. Collection method: clinical testing. Allele origin: germline. Observed: 1 variant allele, 1 heterozygote.

PreventionGenetics, part of Exact Sciences
Classification: Likely benign for PLEC-related condition. Last evaluated: 2024-09-15. Review status: no assertion criteria provided. Collection method: clinical testing. Allele origin: germline. Not counted in ClinVar's aggregate classification.
Comment: This variant is classified as likely benign based on ACMG/AMP sequence variant interpretation guidelines (Richards et al. 2015 PMID: 25741868, with internal and published modifications).

NM_201384.3(PLEC):c.11721G>A (p.Thr3907=)

Gene: PLEC (plectin; minus strand). Cytogenetic location: 8q24.3.
Variant type: single nucleotide variant.
Coding change: c.11721G>A on transcript NM_201384.3 (MANE Select); coding-DNA position 11721, G replaced by A.
Protein change: p.Thr3907=; no amino-acid change (threonine 3907 retained).
Molecular consequence: synonymous variant.
Genome position (GRCh38, 1-based): chr8:143,918,100, C>T on the plus strand (G>A on the coding strand, the complement: PLEC is on the minus strand). VCF-style: chr8-143918100-C-T. GRCh37 (hg19) VCF-style: chr8-144992268-C-T.
Other names: c.11802G>A, p.Thr3934= (NM_000445.5); c.11679G>A, p.Thr3893= (NM_201378.4); c.11655G>A, p.Thr3885= (NM_201379.3); c.12132G>A, p.Thr4044= (NM_201380.4); c.11625G>A, p.Thr3875= (NM_201381.3); c.11721G>A, p.Thr3907= (NM_201382.4); c.11733G>A, p.Thr3911= (NM_201383.3).
Identifiers: ClinVar variation 593594 (VCV000593594.20), dbSNP rs371520192, ClinGen allele CA4924262.